The following is an entry in ClinVar:

NM_213655.5(WNK1):c.2273A>G (p.Asp758Gly)

Gene: WNK1 (WNK lysine deficient protein kinase 1; plus strand). Cytogenetic location: 12p13.33.
Variant type: single nucleotide variant.
Coding change: c.2273A>G on transcript NM_213655.5 (MANE Plus Clinical); coding-DNA position 2273, A replaced by G.
Protein change: p.Asp758Gly; replaces aspartic acid 758 with glycine.
Molecular consequence: missense variant. On other transcripts: intron variant (3).
Genome position (GRCh38, 1-based): chr12:865,243, A>G. VCF-style: chr12-865243-A-G. GRCh37 (hg19) VCF-style: chr12-974409-A-G.
Other names: c.2140-2623A>G (NM_001184985.2); c.2139+2973A>G (NM_018979.4, NM_014823.3); short protein forms D758G.
Identifiers: ClinVar variation 861634 (VCV000861634.10), dbSNP rs1271575777, ClinGen allele CA383337688.
Genomic context (GRCh38, chr12:865,243, plus strand): 5'-CAGTGCTCTTCCACCCCACCGCCAGTACTGTCTGCACCTCTTTCTCCTTCCCTCCTCCGG[A>G]CTGCCCCGAGGAAACTTTTGCCGAAAAGCTTTCTAAAGCATTGGAGAGTGTCCTGCCTAT-3'
Protein context (NP_998820.3, residues 748-768): VCTSFSFPPP[Asp758Gly]CPEETFAEKL

ClinVar aggregate classification (germline): Uncertain significance. Review status: criteria provided, multiple submitters, no conflicts (2 of 4 stars). 2 submissions from 2 submitters: Uncertain significance (2). Last evaluated 2025-07-24.

Conditions:
WNK1-related disorder. Also called: WNK1-related condition.
Pseudohypoaldosteronism type 2C (PHA2C). Also called: Pseudohypoaldosteronism Type IIC. Identifiers: Orphanet 757, Orphanet 88940, MedGen C1840391, MONDO:0013778, OMIM 614492.
Neuropathy, hereditary sensory and autonomic, type 2A (HSAN2A). Also called: ACROOSTEOLYSIS, GIACCAI TYPE; ACROOSTEOLYSIS, NEUROGENIC; MORVAN DISEASE; WNK1-Related HSAN2 (HSAN2A); NEUROPATHY, CONGENITAL SENSORY; NEUROPATHY, HEREDITARY SENSORY RADICULAR, AUTOSOMAL RECESSIVE. Identifiers: Orphanet 970, MedGen C2752089, MONDO:0024309, OMIM 201300.

Allele frequency attached by ClinVar (database versions not stated): gnomAD exomes 0.00001.
gnomAD v4.1: 3 of 1,535,940 alleles (0.0002%); highest among the groups gnomAD compares: Non-Finnish European, 0.00026%; no homozygotes.

Submissions (2):

PreventionGenetics, part of Exact Sciences
Classification: Uncertain significance for WNK1-related condition. Last evaluated: 2025-07-24. Review status: criteria provided, single submitter. Criteria: ACMG Guidelines, 2015. Collection method: clinical testing. Allele origin: germline.
Comment: The WNK1 c.2273A>G variant is predicted to result in the amino acid substitution p.Asp758Gly. To our knowledge, this variant has not been reported in the literature. This variant is reported in 0.0019% of alleles in individuals of European (Non-Finnish) descent in gnomAD. At this time, the clinical significance of this variant is uncertain due to the absence of conclusive functional and genetic evidence.

Labcorp Genetics (formerly Invitae), Labcorp
Classification: Uncertain significance for Neuropathy, hereditary sensory and autonomic, type 2A; Pseudohypoaldosteronism type 2C. Last evaluated: 2025-07-02. Review status: criteria provided, single submitter. Criteria: Invitae Variant Classification Sherloc (09022015). Collection method: clinical testing. Allele origin: germline.
Comment: This sequence change replaces aspartic acid, which is acidic and polar, with glycine, which is neutral and non-polar, at codon 758 of the WNK1 protein (p.Asp758Gly). This variant is present in population databases (no rsID available, gnomAD 0.002%). This variant has not been reported in the literature in individuals affected with WNK1-related conditions. ClinVar contains an entry for this variant (Variation ID: 861634). Invitae Evidence Modeling of protein sequence and biophysical properties (such as structural, functional, and spatial information, amino acid conservation, physicochemical variation, residue mobility, and thermodynamic stability) indicates that this missense variant is not expected to disrupt WNK1 protein function with a negative predictive value of 95%. In summary, the available evidence is currently insufficient to determine the role of this variant in disease. Therefore, it has been classified as a Variant of Uncertain Significance.